The following is an entry in ClinVar:

NM_004064.5(CDKN1B):c.328A>T (p.Ser110Cys)

Gene: CDKN1B (cyclin dependent kinase inhibitor 1B; plus strand). Cytogenetic location: 12p13.1.
Variant type: single nucleotide variant.
Coding change: c.328A>T on transcript NM_004064.5 (MANE Select); coding-DNA position 328, A replaced by T.
Protein change: p.Ser110Cys; replaces serine 110 with cysteine.
Molecular consequence: missense variant.
Genome position (GRCh38, 1-based): chr12:12,718,167, A>T. VCF-style: chr12-12718167-A-T. GRCh37 (hg19) VCF-style: chr12-12871101-A-T.
Other names: short protein forms S110C.
Identifiers: ClinVar variation 4633424 (VCV004633424.2).

ClinVar aggregate classification (germline): Conflicting classifications of pathogenicity. Review status: criteria provided, conflicting classifications (1 of 4 stars). 2 submissions from 2 submitters: Uncertain significance (1); Likely benign (1). Last evaluated 2025-09-20.

Conditions:
Hereditary cancer-predisposing syndrome. Also called: Hereditary neoplastic syndrome; Hereditary Cancer Syndrome; Neoplastic Syndromes, Hereditary; Tumor predisposition. Identifiers: Orphanet 140162, MedGen C0027672, MeSH D009386, MONDO:0015356.
Multiple endocrine neoplasia type 4. Also called: MULTIPLE ENDOCRINE NEOPLASIA, TYPE IV. Identifiers: Orphanet 276152, MedGen C1970712, MONDO:0012552, OMIM 610755.

Submissions (2):

Ambry Genetics
Classification: Likely benign for Hereditary cancer-predisposing syndrome. Last evaluated: 2025-09-20. Review status: criteria provided, single submitter. Criteria: Ambry Variant Classification Scheme 2023. Collection method: clinical testing. Allele origin: germline.

Labcorp Genetics (formerly Invitae), Labcorp
Classification: Uncertain significance for Multiple endocrine neoplasia type 4. Last evaluated: 2025-05-07. Review status: criteria provided, single submitter. Criteria: Invitae Variant Classification Sherloc (09022015). Collection method: clinical testing. Allele origin: germline.
Comment: This sequence change replaces serine, which is neutral and polar, with cysteine, which is neutral and slightly polar, at codon 110 of the CDKN1B protein (p.Ser110Cys). This variant is not present in population databases (gnomAD no frequency). This variant has not been reported in the literature in individuals affected with CDKN1B-related conditions. An algorithm developed to predict the effect of missense changes on protein structure and function (PolyPhen-2) suggests that this variant is likely to be tolerated. In summary, the available evidence is currently insufficient to determine the role of this variant in disease. Therefore, it has been classified as a Variant of Uncertain Significance.